The following is an entry in ClinVar:

ClinVar aggregate classification (germline): Uncertain significance (1 of 4 stars; one submission).

Allele frequency attached by ClinVar (database versions not stated): TOPMed below 0.00001.

Submission:

Labcorp Genetics (formerly Invitae), Labcorp
Classification: Uncertain significance. Last evaluated: 2023-02-10. Review status: criteria provided, single submitter. Criteria: Invitae Variant Classification Sherloc (09022015). Collection method: clinical testing. Allele origin: germline.
Comment: This variant has not been reported in the literature in individuals affected with IMPG2-related conditions. This sequence change replaces valine, which is neutral and non-polar, with glycine, which is neutral and non-polar, at codon 89 of the IMPG2 protein (p.Val89Gly). This variant is not present in population databases (gnomAD no frequency). Algorithms developed to predict the effect of missense changes on protein structure and function (SIFT, PolyPhen-2, Align-GVGD) all suggest that this variant is likely to be disruptive. In summary, the available evidence is currently insufficient to determine the role of this variant in disease. Therefore, it has been classified as a Variant of Uncertain Significance.

NM_016247.4(IMPG2):c.266T>G (p.Val89Gly)

Gene: IMPG2 (interphotoreceptor matrix proteoglycan 2; minus strand). Cytogenetic location: 3q12.3.
Variant type: single nucleotide variant.
Coding change: c.266T>G on transcript NM_016247.4 (MANE Select); coding-DNA position 266, T replaced by G.
Protein change: p.Val89Gly; replaces valine 89 with glycine.
Molecular consequence: missense variant.
Genome position (GRCh38, 1-based): chr3:101,319,652, A>C on the plus strand (T>G on the coding strand, the complement: IMPG2 is on the minus strand). VCF-style: chr3-101319652-A-C. GRCh37 (hg19) VCF-style: chr3-101038496-A-C.
Other names: short protein forms V89G.
Identifiers: ClinVar variation 2836083 (VCV002836083.3), dbSNP rs2058801421, ClinGen allele CA353857830.